The following is an entry in ClinVar:

ClinVar aggregate classification (germline): Conflicting classifications of pathogenicity. Review status: criteria provided, conflicting classifications (1 of 4 stars). 2 submissions from 2 submitters: Likely pathogenic (1); Uncertain significance (1). Last evaluated 2024-09-05.

Conditions:
Hereditary spastic paraplegia 47. Also called: adaptor protein 4 (AP-4) deficiency syndrome; Spastic paraplegia 47, autosomal recessive; CEREBRAL PALSY, SPASTIC QUADRIPLEGIC, 5. Identifiers: Orphanet 280763, MedGen C3279738, MONDO:0013551, OMIM 614066.

Allele frequency attached by ClinVar (database versions not stated): gnomAD exomes 0.00001; TOPMed 0.00001.

Submissions (2):

Labcorp Genetics (formerly Invitae), Labcorp
Classification: Uncertain significance for Hereditary spastic paraplegia 47. Last evaluated: 2024-09-05. Review status: criteria provided, single submitter. Criteria: Invitae Variant Classification Sherloc (09022015). Collection method: clinical testing. Allele origin: germline.
Comment: This sequence change falls in intron 3 of the AP4B1 gene. It does not directly change the encoded amino acid sequence of the AP4B1 protein. It affects a nucleotide within the consensus splice site. This variant is not present in population databases (gnomAD no frequency). This variant has not been reported in the literature in individuals affected with AP4B1-related conditions. ClinVar contains an entry for this variant (Variation ID: 434229). Variants that disrupt the consensus splice site are a relatively common cause of aberrant splicing (PMID: 17576681, 9536098). Algorithms developed to predict the effect of sequence changes on RNA splicing suggest that this variant is not likely to affect RNA splicing. In summary, the available evidence is currently insufficient to determine the role of this variant in disease. Therefore, it has been classified as a Variant of Uncertain Significance.

Genetic Services Laboratory, University of Chicago
Classification: Likely pathogenic for Spastic paraplegia 47, autosomal recessive. Last evaluated: 2015-11-02. Review status: criteria provided, single submitter. Criteria: ACMG Guidelines, 2015. Collection method: clinical testing. Allele origin: germline. Affected: yes.

Literature cited by the submitters: PubMed 17576681 (cited by Labcorp Genetics (formerly Invitae), Labcorp); PubMed 9536098 (cited by Labcorp Genetics (formerly Invitae), Labcorp).

NM_001253852.3(AP4B1):c.338+5G>A

Gene: AP4B1 (adaptor related protein complex 4 subunit beta 1; minus strand). Cytogenetic location: 1p13.2.
Variant type: single nucleotide variant.
Coding change: c.338+5G>A on transcript NM_001253852.3 (MANE Select); 5 bases into the intron after coding-DNA position 338, G replaced by A.
Molecular consequence: intron variant.
Genome position (GRCh38, 1-based): chr1:113,902,633, C>T on the plus strand (G>A on the coding strand, the complement: AP4B1 is on the minus strand). VCF-style: chr1-113902633-C-T. GRCh37 (hg19) VCF-style: chr1-114445255-C-T.
Other names: c.41+5G>A (NM_001253853.3); c.338+5G>A (NM_006594.5); c.113+1972G>A (NM_001308312.2).
Identifiers: ClinVar variation 434229 (VCV000434229.9), dbSNP rs1019204290, ClinGen allele CA28973775.
Genomic context (GRCh38, chr1:113,902,633, plus strand): 5'-AACCTACCCTGTGATCACTTGAATTCATCAGCCATTTAGGACCAGACAGAGAAGAGGGTA[C>T]TCACCTGAGGCTACACATGCTCCGTAACGCCAGCCCTCGCACCATTGGATTGGGGTCTGA-3'